The following is an entry in ClinVar:

NM_004304.5(ALK):c.4694A>G (p.Asn1565Ser)

Gene: ALK (ALK receptor tyrosine kinase; minus strand). Cytogenetic location: 2p23.2.
Variant type: single nucleotide variant.
Coding change: c.4694A>G on transcript NM_004304.5 (MANE Select); coding-DNA position 4694, A replaced by G.
Protein change: p.Asn1565Ser; replaces asparagine 1565 with serine.
Molecular consequence: missense variant.
Genome position (GRCh38, 1-based): chr2:29,193,393, T>C on the plus strand (A>G on the coding strand, the complement: ALK is on the minus strand). VCF-style: chr2-29193393-T-C. GRCh37 (hg19) VCF-style: chr2-29416259-T-C.
Other names: c.1490A>G, p.Asn497Ser (NM_001353765.2); short protein forms N1565S, N497S.
Identifiers: ClinVar variation 839747 (VCV000839747.8), dbSNP rs1208409389, ClinGen allele CA346460445.
Genomic context (GRCh38, chr2:29,193,393, plus strand): 5'-CCGTAATTGACATTCCCACAAGGGAAGTGACGTAGCCTGAACAGAGGTACCTCCTTCATA[T>C]TGGCAGTCAGCGAAGAGGGCTCTAGGAGCAGTGAGGCCCCCGGAAGTCTCCCAGTTGCAA-3'
Protein context (NP_004295.2, residues 1555-1575): LLLEPSSLTA[Asn1565Ser]MKEVPLFRLR

ClinVar aggregate classification (germline): Conflicting classifications of pathogenicity. Review status: criteria provided, conflicting classifications (1 of 4 stars). 2 submissions from 2 submitters: Uncertain significance (1); Likely benign (1). Last evaluated 2025-11-18.

Conditions:
Hereditary cancer-predisposing syndrome. Also called: Neoplastic Syndromes, Hereditary; Hereditary neoplastic syndrome; Tumor predisposition; Hereditary Cancer Syndrome. Identifiers: Orphanet 140162, MedGen C0027672, MeSH D009386, MONDO:0015356.
Neuroblastoma, susceptibility to, 3. Also called: ALK-Related Neuroblastic Tumor Susceptibility. Identifiers: Orphanet 635, MedGen C2751681, MONDO:0013083, OMIM 613014.

Allele frequency attached by ClinVar (database versions not stated): gnomAD exomes below 0.00001; gnomAD 0.00001; TOPMed 0.00002.
gnomAD v4.1: 2 of 1,614,046 alleles (0.00012%); highest among the groups gnomAD compares: Non-Finnish European, 0.00017%; no homozygotes.

Submissions (2):

Labcorp Genetics (formerly Invitae), Labcorp
Classification: Uncertain significance for Neuroblastoma, susceptibility to, 3. Last evaluated: 2025-11-18. Review status: criteria provided, single submitter. Criteria: Invitae Variant Classification Sherloc (09022015). Collection method: clinical testing. Allele origin: germline.
Comment: This sequence change replaces asparagine, which is neutral and polar, with serine, which is neutral and polar, at codon 1565 of the ALK protein (p.Asn1565Ser). This variant is present in population databases (no rsID available, gnomAD 0.007%). This variant has not been reported in the literature in individuals affected with ALK-related conditions. ClinVar contains an entry for this variant (Variation ID: 839747). An algorithm developed to predict the effect of missense changes on protein structure and function outputs the following: PolyPhen-2: "Benign". The serine amino acid residue is found in multiple mammalian species, which suggests that this missense change does not adversely affect protein function. In summary, the available evidence is currently insufficient to determine the role of this variant in disease. Therefore, it has been classified as a Variant of Uncertain Significance.

Ambry Genetics
Classification: Likely benign for Hereditary cancer-predisposing syndrome. Last evaluated: 2025-03-21. Review status: criteria provided, single submitter. Criteria: Ambry Variant Classification Scheme 2023. Collection method: clinical testing. Allele origin: germline.